The following is an entry in ClinVar:

NM_013432.5(TONSL):c.3996G>T (p.Ala1332=)

Gene: TONSL (tonsoku like, DNA repair protein; minus strand). Cytogenetic location: 8q24.3.
Variant type: single nucleotide variant.
Coding change: c.3996G>T on transcript NM_013432.5 (MANE Select); coding-DNA position 3996, G replaced by T.
Protein change: p.Ala1332=; no amino-acid change (alanine 1332 retained).
Molecular consequence: synonymous variant.
Genome position (GRCh38, 1-based): chr8:144,429,284, C>A on the plus strand (G>T on the coding strand, the complement: TONSL is on the minus strand). VCF-style: chr8-144429284-C-A. GRCh37 (hg19) VCF-style: chr8-145654667-C-A.
Identifiers: ClinVar variation 1653007 (VCV001653007.9), dbSNP rs376104257, ClinGen allele CA4942318.

ClinVar aggregate classification (germline): Likely benign. Review status: criteria provided, multiple submitters, no conflicts (2 of 4 stars). 2 submissions from 2 submitters: Likely benign (2). Last evaluated 2026-08-01.

Allele frequency attached by ClinVar (database versions not stated): TOPMed 0.00003; gnomAD 0.00005 and 0.00006; ESP Exome Variant Server 0.00008; ExAC 0.00020.
gnomAD v4.1: 90 of 1,511,776 alleles (0.006%); highest among the groups gnomAD compares: Non-Finnish European, 0.0075%; no homozygotes.

Submissions (2):

CeGaT Center for Human Genetics Tuebingen
Classification: Likely benign. Last evaluated: 2026-08-01. Review status: criteria provided, single submitter. Criteria: CeGaT Center For Human Genetics Tuebingen Variant Classification Criteria Version 2. Collection method: clinical testing. Allele origin: germline. Affected: yes. Observed: 1 variant allele.
Comment: TONSL: BP4, BP7

Labcorp Genetics (formerly Invitae), Labcorp
Classification: Likely benign. Last evaluated: 2025-03-11. Review status: criteria provided, single submitter. Criteria: Invitae Variant Classification Sherloc (09022015). Collection method: clinical testing. Allele origin: germline.